The following is an entry in ClinVar:

NM_002335.4(LRP5):c.4451G>C (p.Ser1484Thr)

Gene: LRP5 (LDL receptor related protein 5; plus strand). Cytogenetic location: 11q13.2.
Variant type: single nucleotide variant.
Coding change: c.4451G>C on transcript NM_002335.4 (MANE Select); coding-DNA position 4451, G replaced by C.
Protein change: p.Ser1484Thr; replaces serine 1484 with threonine.
Molecular consequence: missense variant.
Genome position (GRCh38, 1-based): chr11:68,439,879, G>C. VCF-style: chr11-68439879-G-C. GRCh37 (hg19) VCF-style: chr11-68207347-G-C.
Other names: c.2708G>C, p.Ser903Thr (NM_001291902.2); short protein forms S1484T, S903T.
Identifiers: ClinVar variation 2047466 (VCV002047466.4), dbSNP rs2496908821, ClinGen allele CA381616163.

ClinVar aggregate classification (germline): Uncertain significance (1 of 4 stars; one submission).

Allele frequency attached by ClinVar (database versions not stated): gnomAD exomes below 0.00001.
gnomAD v4.1: 1 of 1,585,360 alleles (0.000063%); highest among the groups gnomAD compares: African/African-American, 0.0013%; no homozygotes.

Submission:

Labcorp Genetics (formerly Invitae), Labcorp
Classification: Uncertain significance. Last evaluated: 2022-04-15. Review status: criteria provided, single submitter. Criteria: Invitae Variant Classification Sherloc (09022015). Collection method: clinical testing. Allele origin: germline.
Comment: In summary, the available evidence is currently insufficient to determine the role of this variant in disease. Therefore, it has been classified as a Variant of Uncertain Significance. Algorithms developed to predict the effect of missense changes on protein structure and function are either unavailable or do not agree on the potential impact of this missense change (SIFT: "Deleterious"; PolyPhen-2: "Benign"; Align-GVGD: "Class C55"). This variant has not been reported in the literature in individuals affected with LRP5-related conditions. This variant is not present in population databases (gnomAD no frequency). This sequence change replaces serine, which is neutral and polar, with threonine, which is neutral and polar, at codon 1484 of the LRP5 protein (p.Ser1484Thr).